The following is an entry in ClinVar:

NM_001105206.3(LAMA4):c.755C>T (p.Thr252Ile)

Gene: LAMA4 (laminin subunit alpha 4; minus strand). Cytogenetic location: 6q21.
Variant type: single nucleotide variant.
Coding change: c.755C>T on transcript NM_001105206.3 (MANE Select); coding-DNA position 755, C replaced by T.
Protein change: p.Thr252Ile; replaces threonine 252 with isoleucine.
Molecular consequence: missense variant.
Genome position (GRCh38, 1-based): chr6:112,189,169, G>A on the plus strand (C>T on the coding strand, the complement: LAMA4 is on the minus strand). VCF-style: chr6-112189169-G-A. GRCh37 (hg19) VCF-style: chr6-112510371-G-A.
Other names: c.755C>T, p.Thr252Ile (NM_001105207.3, NM_002290.5); short protein forms T252I.
Identifiers: ClinVar variation 4096221 (VCV004096221.1).
Genomic context (GRCh38, chr6:112,189,169, plus strand): 5'-CTTATGGTTGGGCAGTCCATGCCTGTAGGGGGTTCAAAACCTTCTTCCAAGCATTCTCCG[G>A]TTACACTGTCACATGGGCCTCCCCCGCAGTTGCACACTGTGGGAAACAAAAACAAGAGAC-3'
Protein context (NP_001098676.2, residues 242-262): NCGGGPCDSV[Thr252Ile]GECLEEGFEP

ClinVar aggregate classification (germline): Uncertain significance (1 of 4 stars; one submission).

Conditions:
Cardiovascular phenotype. Identifiers: MedGen CN230736.

Submission:

Ambry Genetics
Classification: Uncertain significance for Cardiovascular phenotype. Last evaluated: 2025-08-31. Review status: criteria provided, single submitter. Criteria: Ambry Variant Classification Scheme 2023. Collection method: clinical testing. Allele origin: germline.
Comment: The p.T252I variant (also known as c.755C>T), located in coding exon 6 of the LAMA4 gene, results from a C to T substitution at nucleotide position 755. The threonine at codon 252 is replaced by isoleucine, an amino acid with similar properties. This amino acid position is conserved. In addition, the in silico prediction for this alteration is inconclusive. Based on the available evidence, the clinical significance of this variant remains unclear.